The following is an entry in ClinVar:

ClinVar aggregate classification (germline): Uncertain significance. Review status: criteria provided, multiple submitters, no conflicts (2 of 4 stars). 2 submissions from 2 submitters: Uncertain significance (2). Last evaluated 2025-12-16.

Conditions:
Cardiovascular phenotype. Identifiers: MedGen CN230736.
Atrioventricular septal defect 4 (AVSD4). Identifiers: MedGen C3280781, MONDO:0013747, OMIM 614430.

Allele frequency attached by ClinVar (database versions not stated): gnomAD exomes 0.00001; gnomAD 0.00002; TOPMed 0.00002.

Submissions (2):

Ambry Genetics
Classification: Uncertain significance for Cardiovascular phenotype. Last evaluated: 2025-12-16. Review status: criteria provided, single submitter. Criteria: Ambry Variant Classification Scheme 2023. Collection method: clinical testing. Allele origin: germline.

Labcorp Genetics (formerly Invitae), Labcorp
Classification: Uncertain significance for Atrioventricular septal defect 4. Last evaluated: 2024-02-01. Review status: criteria provided, single submitter. Criteria: Invitae Variant Classification Sherloc (09022015). Collection method: clinical testing. Allele origin: germline.
Comment: This sequence change replaces methionine, which is neutral and non-polar, with valine, which is neutral and non-polar, at codon 166 of the GATA4 protein (p.Met166Val). This variant is present in population databases (no rsID available, gnomAD 0.01%). This variant has not been reported in the literature in individuals affected with GATA4-related conditions. ClinVar contains an entry for this variant (Variation ID: 2320207). Advanced modeling of protein sequence and biophysical properties (such as structural, functional, and spatial information, amino acid conservation, physicochemical variation, residue mobility, and thermodynamic stability) performed at Invitae indicates that this missense variant is not expected to disrupt GATA4 protein function with a negative predictive value of 80%. In summary, the available evidence is currently insufficient to determine the role of this variant in disease. Therefore, it has been classified as a Variant of Uncertain Significance.

NM_001308093.3(GATA4):c.496A>G (p.Met166Val)

Gene: GATA4 (GATA binding protein 4). Cytogenetic location: 8p23.1.
Variant type: single nucleotide variant.
Coding change: c.496A>G on transcript NM_001308093.3 (MANE Select); coding-DNA position 496, A replaced by G.
Protein change: p.Met166Val; replaces methionine 166 with valine.
Molecular consequence: missense variant. On other transcripts: intron variant (3).
Genome position (GRCh38, 1-based): chr8:11,708,808, A>G. VCF-style: chr8-11708808-A-G. GRCh37 (hg19) VCF-style: chr8-11566317-A-G.
Other names: c.496A>G (NM_002052.3); c.496A>G, p.Met166Val (NM_002052.5); c.-6+8030A>G (NM_001308094.2); c.-3+794A>G (NM_001374274.1); c.-3+4504A>G (NM_001374273.1); short protein forms M166V.
Identifiers: ClinVar variation 2320207 (VCV002320207.10), dbSNP rs1397506569, ClinGen allele CA370309745.